The following is an entry in ClinVar:

ClinVar aggregate classification (germline): Likely benign. Review status: criteria provided, multiple submitters, no conflicts (2 of 4 stars). 2 submissions from 2 submitters: Likely benign (2). Last evaluated 2024-08-07.

Conditions:
Juvenile polyposis syndrome (JPS). Identifiers: Orphanet 2929, MedGen C0345893, MONDO:0017380, OMIM 174900.

Submissions (2):

Myriad Genetics, Inc.
Classification: Likely benign for Juvenile polyposis syndrome. Last evaluated: 2024-08-07. Review status: criteria provided, single submitter. Criteria: Myriad Autosomal Dominant, Autosomal Recessive and X-Linked Classification Criteria (2023). Collection method: clinical testing. Allele origin: unknown.
Comment: This variant is considered likely benign. This variant is intronic and is not expected to impact mRNA splicing.

Labcorp Genetics (formerly Invitae), Labcorp
Classification: Likely benign for Juvenile polyposis syndrome. Last evaluated: 2024-03-01. Review status: criteria provided, single submitter. Criteria: Invitae Variant Classification Sherloc (09022015). Collection method: clinical testing. Allele origin: germline.

NM_004329.3(BMPR1A):c.1343-12A>C

Gene: BMPR1A (bone morphogenetic protein receptor type 1A; plus strand). Cytogenetic location: 10q23.2.
Variant type: single nucleotide variant.
Coding change: c.1343-12A>C on transcript NM_004329.3 (MANE Select); 12 bases into the intron before coding-DNA position 1343, A replaced by C.
Molecular consequence: intron variant.
Genome position (GRCh38, 1-based): chr10:86,923,364, A>C. VCF-style: chr10-86923364-A-C. GRCh37 (hg19) VCF-style: chr10-88683121-A-C.
Other names: c.1343-12A>C (NM_001406562.1, NM_001406568.1, NM_001406567.1 and 19 more transcripts); c.1259-12A>C (NM_001406584.1, NM_001406588.1, NM_001406587.1 and 2 more transcripts); c.1391-12A>C (NM_001406560.1); c.1418-12A>C (NM_001406559.1); c.1337-12A>C (NM_001406583.1); c.1001-12A>C (NM_001406589.1).
Identifiers: ClinVar variation 3378540 (VCV003378540.3).